The following is an entry in ClinVar:

ClinVar aggregate classification (germline): Benign/Likely benign. Review status: criteria provided, multiple submitters, no conflicts (2 of 4 stars). 12 submissions from 11 submitters: Benign (4); Likely benign (3). 5 of the submissions do not count toward it. Last evaluated 2026-01-19.

Conditions:
SYNE1-related disorder. Also called: SYNE1-related disease; SYNE1-related condition; SYNE1-related disorders.
Emery-Dreifuss muscular dystrophy 4, autosomal dominant (EDMD4). Also called: EMERY-DREIFUSS MUSCULAR DYSTROPHY 4 WITH VARIABLE FEATURES. Identifiers: Orphanet 261, MedGen C2751807, MONDO:0013071, OMIM 612998.
Autosomal recessive ataxia, Beauce type. Also called: SYNE1-Related Autosomal Recessive Cerebellar Ataxia; ATAXIA, RECESSIVE, OF BEAUCE; Spinocerebellar ataxia, autosomal recessive 8; SYNE1 Deficiency. Identifiers: Orphanet 88644, MedGen C1853116, MONDO:0012549, OMIM 610743.

Allele frequency attached by ClinVar (database versions not stated): 1000 Genomes Project 0.00539; TOPMed 0.00873; ExAC 0.00245; 1000 Genomes Project 30x 0.00562; ESP Exome Variant Server 0.00984; gnomAD exomes 0.00091 and 0.00219; gnomAD 0.00841 and 0.00764.
gnomAD v4.1: 2,541 of 1,614,242 alleles (0.16%); highest among the groups gnomAD compares: African/African-American, 2.9%; 33 homozygotes.

Submissions (12):

Labcorp Genetics (formerly Invitae), Labcorp
Classification: Benign for Emery-Dreifuss muscular dystrophy 4, autosomal dominant; Autosomal recessive ataxia, Beauce type. Last evaluated: 2026-01-19. Review status: criteria provided, single submitter. Criteria: Invitae Variant Classification Sherloc (09022015). Collection method: clinical testing. Allele origin: germline.

Athena Diagnostics
Classification: Benign. Last evaluated: 2024-11-22. Review status: criteria provided, single submitter. Criteria: Athena Diagnostics Criteria. Collection method: clinical testing. Allele origin: unknown.

Mayo Clinic Laboratories, Mayo Clinic
Classification: Benign. Last evaluated: 2022-03-23. Review status: criteria provided, single submitter. Criteria: ACMG Guidelines, 2015. Collection method: clinical testing. Allele origin: germline. Observed: 10 variant alleles.
Comment: BS1, BS2, BP4

Illumina Laboratory Services, Illumina
Classification: Likely benign for Emery-Dreifuss muscular dystrophy 4, autosomal dominant. Last evaluated: 2017-04-27. Review status: criteria provided, single submitter. Criteria: ICSL Variant Classification Criteria 13 December 2019. Collection method: clinical testing. Allele origin: germline.
Comment: This variant was observed as part of a predisposition screen in an ostensibly healthy population. A literature search was performed for the gene, cDNA change, and amino acid change (where applicable). No publications were found based on this search. Allele frequency data from public databases allowed determination this variant is unlikely to cause disease. Therefore, this variant is classified as likely benign.

Illumina Laboratory Services, Illumina
Classification: Likely benign for Autosomal recessive ataxia, Beauce type. Last evaluated: 2017-04-27. Review status: criteria provided, single submitter. Criteria: ICSL Variant Classification Criteria 13 December 2019. Collection method: clinical testing. Allele origin: germline.
Comment: the same text as in the submission from Illumina Laboratory Services, Illumina above.

GeneDx
Classification: Benign. Last evaluated: 2016-08-16. Review status: criteria provided, single submitter. Criteria: GeneDx Variant Classification (06012015). Collection method: clinical testing. Allele origin: germline. Affected: yes.
Comment: This variant is considered likely benign or benign based on one or more of the following criteria: it is a conservative change, it occurs at a poorly conserved position in the protein, it is predicted to be benign by multiple in silico algorithms, and/or has population frequency not consistent with disease.

Breakthrough Genomics
Classification: Likely benign. Review status: criteria provided, single submitter. Criteria: ACMG Guidelines, 2015. Collection method: not provided. Allele origin: germline. Inheritance: Autosomal recessive inheritance. Affected: yes.

PreventionGenetics, part of Exact Sciences
Classification: Benign for SYNE1-related condition. Last evaluated: 2021-09-08. Review status: no assertion criteria provided. Collection method: clinical testing. Allele origin: germline. Not counted in ClinVar's aggregate classification.
Comment: This variant is classified as benign based on ACMG/AMP sequence variant interpretation guidelines (Richards et al. 2015 PMID: 25741868, with internal and published modifications).

Clinical Genetics DNA and cytogenetics Diagnostics Lab, Erasmus MC, Erasmus Medical Center
Classification: Benign. Review status: no assertion criteria provided. Collection method: clinical testing. Allele origin: germline. Affected: yes. Study: VKGL Data-share Consensus. Not counted in ClinVar's aggregate classification.

Clinical Genetics, Academic Medical Center
Classification: Likely benign. Review status: no assertion criteria provided. Collection method: clinical testing. Allele origin: germline. Affected: yes. Study: VKGL Data-share Consensus. Not counted in ClinVar's aggregate classification.

Genetic Services Laboratory, University of Chicago
Classification: Likely benign for AllHighlyPenetrant. Review status: no assertion criteria provided. Collection method: clinical testing. Allele origin: germline. Inheritance: Autosomal dominant inheritance. Not counted in ClinVar's aggregate classification.
Comment: Likely benign based on allele frequency in 1000 Genomes Project or ESP global frequency and its presence in a patient with a rare or unrelated disease phenotype. NOT Sanger confirmed.

Laboratory of Diagnostic Genome Analysis, Leiden University Medical Center (LUMC)
Classification: Likely benign. Review status: no assertion criteria provided. Collection method: clinical testing. Allele origin: germline. Affected: yes. Study: VKGL Data-share Consensus. Not counted in ClinVar's aggregate classification.

NM_182961.4(SYNE1):c.10022T>C (p.Val3341Ala)

Gene: SYNE1 (spectrin repeat containing nuclear envelope protein 1; minus strand). Cytogenetic location: 6q25.2.
Variant type: single nucleotide variant.
Coding change: c.10022T>C on transcript NM_182961.4 (MANE Select); coding-DNA position 10022, T replaced by C.
Protein change: p.Val3341Ala; replaces valine 3341 with alanine.
Molecular consequence: missense variant.
Genome position (GRCh38, 1-based): chr6:152,364,970, A>G on the plus strand (T>C on the coding strand, the complement: SYNE1 is on the minus strand). VCF-style: chr6-152364970-A-G. GRCh37 (hg19) VCF-style: chr6-152686105-A-G.
Other names: p.Val3348Ala; c.10043T>C, p.Val3348Ala (NM_033071.5); short protein forms V3341A, V3348A.
Identifiers: ClinVar variation 130387 (VCV000130387.31), dbSNP rs138693624, ClinGen allele CA155313.